The following is an entry in ClinVar:

NM_000430.4(PAFAH1B1):c.32+2dup

Gene: PAFAH1B1 (platelet activating factor acetylhydrolase 1b regulatory subunit 1; plus strand). Cytogenetic location: 17p13.3.
Variant type: Duplication.
Coding change: c.32+2dup on transcript NM_000430.4 (MANE Select); the canonical splice donor site of the intron after coding-DNA position 32, one base duplicated (T; older notation c.32+2dupT).
Molecular consequence: splice donor variant.
Genome position (GRCh38, 1-based): chr17:2,638,322, T duplicated. VCF-style (leftmost placement, unchanged base first): chr17-2638321-G-GT. GRCh37 (hg19) VCF-style: chr17-2541615-G-GT.
Identifiers: ClinVar variation 1994846 (VCV001994846.4), dbSNP rs2544028588, ClinGen allele CA2580092470.

ClinVar aggregate classification (germline): Uncertain significance (1 of 4 stars; one submission).

Submission:

Labcorp Genetics (formerly Invitae), Labcorp
Classification: Uncertain significance. Last evaluated: 2022-05-15. Review status: criteria provided, single submitter. Criteria: Invitae Variant Classification Sherloc (09022015). Collection method: clinical testing. Allele origin: germline.
Comment: This sequence change falls in intron 2 of the PAFAH1B1 gene. It does not directly change the encoded amino acid sequence of the PAFAH1B1 protein. It affects a nucleotide within the consensus splice site. This variant is not present in population databases (gnomAD no frequency). This variant has not been reported in the literature in individuals affected with PAFAH1B1-related conditions. Variants that disrupt the consensus splice site are a relatively common cause of aberrant splicing (PMID: 17576681, 9536098). Algorithms developed to predict the effect of sequence changes on RNA splicing suggest that this variant is not likely to affect RNA splicing. In summary, the available evidence is currently insufficient to determine the role of this variant in disease. Therefore, it has been classified as a Variant of Uncertain Significance.

Literature cited by the submitters: PubMed 17576681; PubMed 9536098.